The following is an entry in ClinVar:

NM_024422.6(DSC2):c.607C>T (p.Arg203Cys)

Gene: DSC2 (desmocollin 2; minus strand). Cytogenetic location: 18q12.1.
Variant type: single nucleotide variant.
Coding change: c.607C>T on transcript NM_024422.6 (MANE Select); coding-DNA position 607, C replaced by T.
Protein change: p.Arg203Cys; replaces arginine 203 with cysteine.
Molecular consequence: missense variant.
Genome position (GRCh38, 1-based): chr18:31,089,462, G>A on the plus strand (C>T on the coding strand, the complement: DSC2 is on the minus strand). VCF-style: chr18-31089462-G-A. GRCh37 (hg19) VCF-style: chr18-28669425-G-A.
Other names: c.607C>T, p.Arg203Cys (NM_004949.5); short protein forms R203C.
Identifiers: ClinVar variation 72377 (VCV000072377.21), dbSNP rs142331975, ClinGen allele CA022869.
Genomic context (GRCh38, chr18:31,089,462, plus strand): 5'-ATCATTGCTAATACAGTACACACATTTTAGACTTTACCTCAAAAGATTCATACTGCTCAC[G>A]ATCTACAGGACGAGTACAATACAAGTTTCCAGTGTCTCTCTCCACATAAAATAAATTCCG-3'
Protein context (NP_077740.1, residues 193-213): GNLYCTRPVD[Arg203Cys]EQYESFEIIA

ClinVar aggregate classification (germline): Conflicting classifications of pathogenicity. Review status: criteria provided, conflicting classifications (1 of 4 stars). 8 submissions from 8 submitters: Likely pathogenic (2); Uncertain significance (6). Last evaluated 2025-11-10.

Conditions:
DSC2-related disorders.
Cardiomyopathy (CMYO). Also called: Cardiomyopathies. Identifiers: Orphanet 167848, MedGen C0878544, MONDO:0004994, HP:0001638. Inheritance: Various modes of inheritance.
Arrhythmogenic right ventricular dysplasia 11. Also called: Arrhythmogenic Right Ventricular Dysplasia/Cardiomyopathy11; Arrhythmogenic right ventricular dysplasia 11 with mild palmoplantar keratoderma and woolly hair; ARRHYTHMOGENIC RIGHT VENTRICULAR DYSPLASIA, FAMILIAL, 11. Identifiers: MedGen C1864850, MONDO:0012506, OMIM 610476.
Cardiovascular phenotype. Identifiers: MedGen CN230736.

Allele frequency attached by ClinVar (database versions not stated): gnomAD exomes below 0.00001.
gnomAD v4.1: 4 of 1,613,732 alleles (0.00025%); highest among the groups gnomAD compares: Middle Eastern, 0.017%; no homozygotes.

Submissions (8):

Labcorp Genetics (formerly Invitae), Labcorp
Classification: Uncertain significance for Arrhythmogenic right ventricular dysplasia 11. Last evaluated: 2025-11-10. Review status: criteria provided, single submitter. Criteria: Invitae Variant Classification Sherloc (09022015). Collection method: clinical testing. Allele origin: germline.
Comment: This sequence change replaces arginine, which is basic and polar, with cysteine, which is neutral and slightly polar, at codon 203 of the DSC2 protein (p.Arg203Cys). This variant is present in population databases (rs142331975, gnomAD 0.0009%). This missense change has been observed in individual(s) with arrhythmogenic right ventricular cardiomyopathy (PMID: 21062920, 23514727, 25825460). ClinVar contains an entry for this variant (Variation ID: 72377). Invitae Evidence Modeling of protein sequence and biophysical properties (such as structural, functional, and spatial information, amino acid conservation, physicochemical variation, residue mobility, and thermodynamic stability) indicates that this missense variant is expected to disrupt DSC2 protein function with a positive predictive value of 80%. Experimental studies have shown that this missense change affects DSC2 function (PMID: 21062920). This variant disrupts the p.Arg203 amino acid residue in DSC2. Other variant(s) that disrupt this residue have been observed in individuals with DSC2-related conditions (PMID: 21636032), which suggests that this may be a clinically significant amino acid residue. In summary, the available evidence is currently insufficient to determine the role of this variant in disease. Therefore, it has been classified as a Variant of Uncertain Significance.

GeneDx
Classification: Likely pathogenic. Last evaluated: 2025-08-13. Review status: criteria provided, single submitter. Criteria: GeneDx Variant Classification Process June 2021. Collection method: clinical testing. Allele origin: germline. Affected: yes.
Comment: Identified in patients with ARVC in published literature; multiple patients harbored additional cardiogenetic variants (PMID: 23514727, 21062920, 25825460, 32877757); Not observed at significant frequency in large population cohorts (gnomAD); In silico analysis supports that this missense variant has a deleterious effect on protein structure/function; Published functional studies demonstrate a damaging effect via defects in proteolytic cleavage (PMID: 21062920); This variant is associated with the following publications: (PMID: 18957847, 23514727, 21062920, 29178656, 31402444, 32466575, 25825460, 32877757, Hanns2025[preprint])

Color Diagnostics, LLC DBA Color Health
Classification: Uncertain significance for Cardiomyopathy. Last evaluated: 2025-06-19. Review status: criteria provided, single submitter. Criteria: ACMG Guidelines, 2015. Collection method: clinical testing. Allele origin: germline.
Comment: This missense variant replaces arginine with cysteine at codon 203 of the DSC2 protein. Computational prediction tool is inconclusive regarding the impact of this variant on protein structure and function. To our knowledge, functional studies have not been reported for this variant. This variant has been reported in individuals affected with arrhythmogenic right ventricular cardiomyopathy (PMID: 21062920, 23514727, 29178656, 25825460). This variant has been identified in 1/251392 chromosomes in the general population by the Genome Aggregation Database (gnomAD). The available evidence is insufficient to determine the role of this variant in disease conclusively. Therefore, this variant is classified as a Variant of Uncertain Significance.

Ambry Genetics
Classification: Uncertain significance for Cardiovascular phenotype. Last evaluated: 2022-09-08. Review status: criteria provided, single submitter. Criteria: Ambry Variant Classification Scheme 2023. Collection method: clinical testing. Allele origin: germline.

Blueprint Genetics
Classification: Likely pathogenic for DSC2-related disorders. Last evaluated: 2022-09-06. Review status: criteria provided, single submitter. Criteria: ACMG Guidelines, 2015. Collection method: clinical testing. Allele origin: germline. Affected: yes. Observed: 1 variant allele.

Dubai Health Genomic Medicine Center, Dubai Health
Classification: Uncertain significance for Arrhythmogenic right ventricular dysplasia 11. Last evaluated: 2020-11-15. Review status: criteria provided, single submitter. Criteria: ACMG Guidelines, 2015. Collection method: clinical testing. Allele origin: germline. Affected: yes.

Centre for Mendelian Genomics, University Medical Centre Ljubljana
Classification: Uncertain significance for Arrhythmogenic right ventricular dysplasia 11. Last evaluated: 2020-03-17. Review status: criteria provided, single submitter. Criteria: ACMG Guidelines, 2015. Collection method: clinical testing. Allele origin: unknown. Affected: yes.
Comment: This variant was classified as: Uncertain significance. The available evidence on this variant's pathogenicity is insufficient or conflicting. The following ACMG criteria were applied in classifying this variant: PM2,PP3.

Laboratory for Molecular Medicine, Mass General Brigham Personalized Medicine
Classification: Uncertain significance. Last evaluated: 2015-09-22. Review status: criteria provided, single submitter. Criteria: LMM Criteria. Collection method: clinical testing. Allele origin: germline. Observed: 4 variant alleles.
Comment: Variant classified as Uncertain Significance - Favor Pathogenic. Testing of relatives of the proband reported by O hno 2013 detected the Arg203Cys variant in 1 of 2 relatives with a possible diag nosis of ARVC. This variant has been previously identified by our laboratory in two homozygous adults of Middle Eastern descent with ARVC and biventricular DCM, one of whom had additional minimal features of recessive ARVC. The variant was absent from large population studies but it should be noted that these did not s urvey a large enough number of Middle Eastern individuals to rule out that it is common in this population. Cell culture studies do suggest that the variant aff ects protein function (Gehmlich 2011) although these types of studies may not ac curately reflect biological function. Computational predictions also support tha t the variant may impact the protein, though this information is not predictive enough to determine pathogenicity. In summary, while there is some suspicion for a pathogenic role, the clinical significance of the p.Arg203Cys variant is unce rtain.

Literature cited by the submitters: PubMed 21062920 (cited by 3 submitters); PubMed 23514727 (cited by 3 submitters); PubMed 25825460 (cited by Labcorp Genetics (formerly Invitae), Labcorp and Color Diagnostics, LLC DBA Color Health); PubMed 21636032 (cited by Labcorp Genetics (formerly Invitae), Labcorp); PubMed 29178656 (cited by Color Diagnostics, LLC DBA Color Health); PubMed 18957847 (cited by Laboratory for Molecular Medicine, Mass General Brigham Personalized Medicine).